The following is an entry in ClinVar:

NM_001369.3(DNAH5):c.8996A>G (p.Tyr2999Cys)

Gene: DNAH5 (dynein axonemal heavy chain 5; minus strand). Cytogenetic location: 5p15.2.
Variant type: single nucleotide variant.
Coding change: c.8996A>G on transcript NM_001369.3 (MANE Select); coding-DNA position 8996, A replaced by G.
Protein change: p.Tyr2999Cys; replaces tyrosine 2999 with cysteine.
Molecular consequence: missense variant.
Genome position (GRCh38, 1-based): chr5:13,777,311, T>C on the plus strand (A>G on the coding strand, the complement: DNAH5 is on the minus strand). VCF-style: chr5-13777311-T-C. GRCh37 (hg19) VCF-style: chr5-13777420-T-C.
Other names: short protein forms Y2999C.
Identifiers: ClinVar variation 4242572 (VCV004242572.1).

ClinVar aggregate classification (germline): Uncertain significance (1 of 4 stars; one submission).

Conditions:
Primary ciliary dyskinesia. Also called: Ciliary dyskinesia. Identifiers: Orphanet 244, MedGen C0008780, MONDO:0016575, HP:0012265.

gnomAD v4.1: 7 of 1,613,512 alleles (0.00043%); highest among the groups gnomAD compares: Admixed American, 0.005%; no homozygotes.

Submission:

Ambry Genetics
Classification: Uncertain significance for Primary ciliary dyskinesia. Last evaluated: 2025-07-06. Review status: criteria provided, single submitter. Criteria: Ambry Variant Classification Scheme 2023. Collection method: clinical testing. Allele origin: germline.
Comment: The p.Y2999C variant (also known as c.8996A>G), located in coding exon 54 of the DNAH5 gene, results from an A to G substitution at nucleotide position 8996. The tyrosine at codon 2999 is replaced by cysteine, an amino acid with highly dissimilar properties. This amino acid position is conserved. In addition, this alteration is predicted to be deleterious by in silico analysis. Based on the available evidence, the clinical significance of this variant remains unclear.